The following is an entry in ClinVar:

ClinVar aggregate classification (germline): Conflicting classifications of pathogenicity. Review status: criteria provided, conflicting classifications (1 of 4 stars). 7 submissions from 7 submitters: Uncertain significance (4); Likely benign (2). 1 of the submissions does not count toward it. Last evaluated 2026-01-19.

Conditions:
Hereditary cancer-predisposing syndrome. Also called: Tumor predisposition; Neoplastic Syndromes, Hereditary; Hereditary neoplastic syndrome; Hereditary Cancer Syndrome. Identifiers: Orphanet 140162, MedGen C0027672, MeSH D009386, MONDO:0015356.
Hereditary diffuse gastric adenocarcinoma (HDGC). Also called: DIFFUSE GASTRIC AND LOBULAR BREAST CANCER SYNDROME. Identifiers: Orphanet 26106, MedGen C1708349, MONDO:0007648, OMIM 137215.
Familial cancer of breast. Also called: BREAST CANCER, FAMILIAL; hereditary breast carcinoma; Hereditary breast cancer. Identifiers: Orphanet 227535, MedGen C0346153, MONDO:0016419, OMIM 114480. Disease mechanism: loss of function.

Allele frequency attached by ClinVar (database versions not stated): TOPMed below 0.00001; gnomAD 0.00001.
gnomAD v4.1: 42 of 1,614,042 alleles (0.0026%); highest among the groups gnomAD compares: Non-Finnish European, 0.0034%; no homozygotes.

Submissions (7):

Labcorp Genetics (formerly Invitae), Labcorp
Classification: Likely benign for Hereditary diffuse gastric adenocarcinoma. Last evaluated: 2026-01-19. Review status: criteria provided, single submitter. Criteria: Invitae Variant Classification Sherloc (09022015). Collection method: clinical testing. Allele origin: germline.

Color Diagnostics, LLC DBA Color Health
Classification: Uncertain significance for Hereditary cancer-predisposing syndrome. Last evaluated: 2024-12-10. Review status: criteria provided, single submitter. Criteria: ACMG Guidelines, 2015. Collection method: clinical testing. Allele origin: germline.
Comment: This missense variant replaces histidine with arginine at codon 773 of the CDH1 protein. To our knowledge, functional studies have not been reported for this variant. This variant has not been reported in individuals affected with CDH1-related disorders in the literature. This variant has not been identified in the general population by the Genome Aggregation Database (gnomAD). The available evidence is insufficient to determine the role of this variant in disease conclusively. Therefore, this variant is classified as a Variant of Uncertain Significance.

GeneDx
Classification: Uncertain significance. Last evaluated: 2023-08-16. Review status: criteria provided, single submitter. Criteria: GeneDx Variant Classification Process June 2021. Collection method: clinical testing. Allele origin: germline. Affected: yes.
Comment: Not observed at significant frequency in large population cohorts (gnomAD); In silico analysis supports that this missense variant has a deleterious effect on protein structure/function; Has not been previously published as pathogenic or benign to our knowledge; This variant is associated with the following publications: (PMID: 15235021, 22850631)

Baylor Genetics
Classification: Uncertain significance for Familial cancer of breast. Last evaluated: 2023-06-30. Review status: criteria provided, single submitter. Criteria: ACMG Guidelines, 2015. Collection method: clinical testing. Allele origin: unknown.

Myriad Genetics, Inc.
Classification: Uncertain significance for Hereditary diffuse gastric adenocarcinoma. Last evaluated: 2023-03-06. Review status: criteria provided, single submitter. Criteria: Myriad Autosomal Dominant, Autosomal Recessive and X-Linked Classification Criteria (2023). Collection method: clinical testing. Allele origin: unknown.
Comment: This variant is classified as a variant of uncertain significance as there is insufficient evidence to determine its impact on protein function and/or cancer risk.

Ambry Genetics
Classification: Likely benign for Hereditary cancer-predisposing syndrome. Last evaluated: 2022-02-02. Review status: criteria provided, single submitter. Criteria: Ambry Variant Classification Scheme 2023. Collection method: clinical testing. Allele origin: germline.

Counsyl
Classification: Uncertain significance for Hereditary diffuse gastric adenocarcinoma. Last evaluated: 2018-02-09. Review status: no assertion criteria provided. Collection method: clinical testing. Allele origin: unknown. Not counted in ClinVar's aggregate classification.

NM_004360.5(CDH1):c.2318A>G (p.His773Arg)

Gene: CDH1 (cadherin 1; plus strand). Cytogenetic location: 16q22.1.
Variant type: single nucleotide variant.
Coding change: c.2318A>G on transcript NM_004360.5 (MANE Select); coding-DNA position 2318, A replaced by G.
Protein change: p.His773Arg; replaces histidine 773 with arginine.
Molecular consequence: missense variant.
Genome position (GRCh38, 1-based): chr16:68,829,676, A>G. VCF-style: chr16-68829676-A-G. GRCh37 (hg19) VCF-style: chr16-68863579-A-G.
Other names: p.H773R:CAC>CGC; c.2318A>G (LRG_301t1); c.2135A>G, p.His712Arg (NM_001317184.2); c.770A>G, p.His257Arg (NM_001317185.2); c.353A>G, p.His118Arg (NM_001317186.2); short protein forms H773R, H118R, H257R, H712R.
Identifiers: ClinVar variation 142924 (VCV000142924.27), dbSNP rs587782823, ClinGen allele CA294526.